The following is an entry in ClinVar:

NM_015102.5(NPHP4):c.2866G>A (p.Ala956Thr)

Gene: NPHP4 (nephrocystin 4; minus strand). Cytogenetic location: 1p36.31.
Variant type: single nucleotide variant.
Coding change: c.2866G>A on transcript NM_015102.5 (MANE Select); coding-DNA position 2866, G replaced by A.
Protein change: p.Ala956Thr; replaces alanine 956 with threonine.
Molecular consequence: missense variant. On other transcripts: non-coding transcript variant (1).
Genome position (GRCh38, 1-based): chr1:5,875,052, C>T on the plus strand (G>A on the coding strand, the complement: NPHP4 is on the minus strand). VCF-style: chr1-5875052-C-T. GRCh37 (hg19) VCF-style: chr1-5935112-C-T.
Other names: p.Ala956Thr; c.2866G>A (NM_015102.3); c.1327G>A, p.Ala443Thr (NM_001291593.2); c.1330G>A, p.Ala444Thr (NM_001291594.2); short protein forms A443T, A444T, A956T.
Identifiers: ClinVar variation 858977 (VCV000858977.10), dbSNP rs369624442, ClinGen allele CA553894.

ClinVar aggregate classification (germline): Uncertain significance. Review status: criteria provided, multiple submitters, no conflicts (2 of 4 stars). 5 submissions from 5 submitters: Uncertain significance (4). 1 of the submissions does not count toward it. Last evaluated 2025-08-25.

Conditions:
Inborn genetic diseases. Identifiers: MedGen C0950123, MeSH D030342.
NPHP4-related disorder. Also called: NPHP4-related condition; NPHP4-related disorders. Identifiers: MedGen CN239384.
Nephronophthisis. Also called: Juvenile Nephronophthisis. Identifiers: Orphanet 655, MedGen C0687120, MONDO:0019005, HP:0000090.

Allele frequency attached by ClinVar (database versions not stated): gnomAD exomes 0.00007 and 0.00004; gnomAD 0.00016; TOPMed 0.00019; ESP Exome Variant Server 0.00023; ExAC 0.00007.
gnomAD v4.1: 83 of 1,608,090 alleles (0.0052%); highest among the groups gnomAD compares: African/African-American, 0.049%; no homozygotes.

Submissions (5):

Ambry Genetics
Classification: Uncertain significance for Inborn genetic diseases. Last evaluated: 2025-08-25. Review status: criteria provided, single submitter. Criteria: Ambry Variant Classification Scheme 2023. Collection method: clinical testing. Allele origin: germline.

Blueprint Genetics
Classification: Uncertain significance. Last evaluated: 2024-09-19. Review status: criteria provided, single submitter. Criteria: ACMG Guidelines, 2015. Collection method: clinical testing. Allele origin: germline.

Mayo Clinic Laboratories, Mayo Clinic
Classification: Uncertain significance. Last evaluated: 2024-06-20. Review status: criteria provided, single submitter. Criteria: ACMG Guidelines, 2015. Collection method: clinical testing. Allele origin: germline. Observed: 1 variant allele.
Comment: BP4

Labcorp Genetics (formerly Invitae), Labcorp
Classification: Uncertain significance for Nephronophthisis. Last evaluated: 2023-08-24. Review status: criteria provided, single submitter. Criteria: Invitae Variant Classification Sherloc (09022015). Collection method: clinical testing. Allele origin: germline.
Comment: This sequence change replaces alanine, which is neutral and non-polar, with threonine, which is neutral and polar, at codon 956 of the NPHP4 protein (p.Ala956Thr). This variant is present in population databases (rs369624442, gnomAD 0.05%). This variant has not been reported in the literature in individuals affected with NPHP4-related conditions. ClinVar contains an entry for this variant (Variation ID: 858977). Advanced modeling of protein sequence and biophysical properties (such as structural, functional, and spatial information, amino acid conservation, physicochemical variation, residue mobility, and thermodynamic stability) performed at Invitae indicates that this missense variant is not expected to disrupt NPHP4 protein function. In summary, the available evidence is currently insufficient to determine the role of this variant in disease. Therefore, it has been classified as a Variant of Uncertain Significance.

PreventionGenetics, part of Exact Sciences
Classification: Uncertain significance for NPHP4-related condition. Last evaluated: 2024-09-11. Review status: no assertion criteria provided. Collection method: clinical testing. Allele origin: germline. Not counted in ClinVar's aggregate classification.
Comment: The NPHP4 c.2866G>A variant is predicted to result in the amino acid substitution p.Ala956Thr. To our knowledge, this variant has not been reported in the literature. This variant is reported in 0.058% of alleles in individuals of African descent in gnomAD. At this time, the clinical significance of this variant is uncertain due to the absence of conclusive functional and genetic evidence.